The following is an entry in ClinVar:

ClinVar aggregate classification (germline): Likely benign (1 of 4 stars; one submission).

gnomAD v4.1: 529 of 1,613,856 alleles (0.033%); highest among the groups gnomAD compares: Non-Finnish European, 0.041%; no homozygotes.

Submission:

CeGaT Center for Human Genetics Tuebingen
Classification: Likely benign. Last evaluated: 2026-09-01. Review status: criteria provided, single submitter. Criteria: CeGaT Center For Human Genetics Tuebingen Variant Classification Criteria Version 2. Collection method: clinical testing. Allele origin: germline. Affected: yes. Observed: 1 variant allele.
Comment: CFAP74: BP4, BP7

NM_001304360.2(CFAP74):c.426C>T (p.Ser142=)

Gene: CFAP74 (cilia and flagella associated protein 74; minus strand). Cytogenetic location: 1p36.33.
Variant type: single nucleotide variant.
Coding change: c.426C>T on transcript NM_001304360.2 (MANE Select); coding-DNA position 426, C replaced by T.
Protein change: p.Ser142=; no amino-acid change (serine 142 retained).
Molecular consequence: synonymous variant.
Genome position (GRCh38, 1-based): chr1:1,985,460, G>A on the plus strand (C>T on the coding strand, the complement: CFAP74 is on the minus strand). VCF-style: chr1-1985460-G-A. GRCh37 (hg19) VCF-style: chr1-1916899-G-A.
Identifiers: ClinVar variation 5041054 (VCV005041054.1).
Genomic context (GRCh38, chr1:1,985,460, plus strand): 5'-CACGGCCTCAGTCCTCGACTGCAGGTCTCTCTCGTTCTCCAGCTCTGCAAACAGGCGTCT[G>A]GACACGGCCTGGAGGCGGCCCACAGCGGCCCTGCAGTGGTGAACGGACAGGCCGGGCGTG-3'
Protein context (NP_001291289.1, residues 132-152): MAAVGRLQAV[Ser142=]RRLFAELENE